The following is an entry in ClinVar:

NM_005159.5(ACTC1):c.583C>T (p.Leu195Phe)

Genes: ACTC1 (actin alpha cardiac muscle 1; minus strand), GJD2-DT (GJD2 divergent transcript; plus strand). Cytogenetic location: 15q14.
Variant type: single nucleotide variant.
Coding change: c.583C>T on transcript NM_005159.5 (MANE Select); coding-DNA position 583, C replaced by T.
Protein change: p.Leu195Phe; replaces leucine 195 with phenylalanine.
Molecular consequence: missense variant.
Genome position (GRCh38, 1-based): chr15:34,792,441, G>A on the plus strand (C>T on the coding strand, the complement: ACTC1 is on the minus strand). VCF-style: chr15-34792441-G-A. GRCh37 (hg19) VCF-style: chr15-35084642-G-A.
Other names: short protein forms L195F.
Identifiers: ClinVar variation 928440 (VCV000928440.16), dbSNP rs1891723828, ClinGen allele CA391630913.

ClinVar aggregate classification (germline): Uncertain significance. Review status: criteria provided, multiple submitters, no conflicts (2 of 4 stars). 4 submissions from 4 submitters: Uncertain significance (4). Last evaluated 2024-03-06.

Conditions:
Cardiovascular phenotype. Identifiers: MedGen CN230736.
Dilated cardiomyopathy 1R (CMD1R). Identifiers: Orphanet 154, Orphanet 54260, MedGen C3150681, MONDO:0013261, OMIM 613424.
Hypertrophic cardiomyopathy 11. Also called: ACTC1-Related Familial Hypertrophic Cardiomyopathy. Identifiers: MedGen C2677506, MONDO:0012799, OMIM 612098.
Atrial septal defect 5 (ASD5). Identifiers: Orphanet 1478, MedGen C2748552, MONDO:0013011, OMIM 612794.
Cardiomyopathy (CMYO). Also called: Cardiomyopathies. Identifiers: Orphanet 167848, MedGen C0878544, MONDO:0004994, HP:0001638. Inheritance: Various modes of inheritance.
Hypertrophic cardiomyopathy. Also called: HYPERTROPHIC MYOCARDIOPATHY. Identifiers: Orphanet 217569, MedGen C0007194, MeSH D002312, MONDO:0005045, HP:0001639.

Submissions (4):

Color Diagnostics, LLC DBA Color Health
Classification: Uncertain significance for Cardiomyopathy. Last evaluated: 2024-03-06. Review status: criteria provided, single submitter. Criteria: ACMG Guidelines, 2015. Collection method: clinical testing. Allele origin: germline.
Comment: This missense variant replaces leucine with phenylalanine at codon 195 of the ACTC1 protein. Computational prediction suggests that this variant may have deleterious impact on protein structure and function (internally defined REVEL score threshold >= 0.7, PMID: 27666373). To our knowledge, functional studies have not been reported for this variant. This variant has not been reported in individuals affected with ACTC1-related disorders in the literature. This variant has not been identified in the general population by the Genome Aggregation Database (gnomAD). The available evidence is insufficient to determine the role of this variant in disease conclusively. Therefore, this variant is classified as a Variant of Uncertain Significance.

All of Us Research Program, National Institutes of Health
Classification: Uncertain significance for Hypertrophic cardiomyopathy. Last evaluated: 2023-01-10. Review status: criteria provided, single submitter. Criteria: ACMG Guidelines, 2015. Collection method: clinical testing. Allele origin: germline. Inheritance: Autosomal dominant inheritance. Observed: 1 variant allele, 1 heterozygote.
Comment: This missense variant replaces leucine with phenylalanine at codon 195 of the ACTC1 protein. Computational prediction tool suggests that this variant may have deleterious impact on protein structure and function (internally defined REVEL score threshold >=0.7, PMID: 27666373). Splice site prediction tools suggest that this variant may not impact RNA splicing. To our knowledge, functional studies have not been performed for this variant. This variant has not been reported in individuals affected with cardiovascular disorders in the literature. This variant has not been identified in the general population by the Genome Aggregation Database (gnomAD). The available evidence is insufficient to determine the role of this variant in disease conclusively. Therefore, this variant is classified as a Variant of Uncertain Significance.

This study involves interpretation of variants in research participants for the purpose of population health screening. Participant phenotype was not available at the time of variant classification. Additional details can be found in publication PMID: 35346344, PMCID: PMC8962531

Labcorp Genetics (formerly Invitae), Labcorp
Classification: Uncertain significance for Dilated cardiomyopathy 1R; Hypertrophic cardiomyopathy 11; Atrial septal defect 5. Last evaluated: 2022-10-13. Review status: criteria provided, single submitter. Criteria: Invitae Variant Classification Sherloc (09022015). Collection method: clinical testing. Allele origin: germline.
Comment: In summary, the available evidence is currently insufficient to determine the role of this variant in disease. Therefore, it has been classified as a Variant of Uncertain Significance. Advanced modeling of protein sequence and biophysical properties (such as structural, functional, and spatial information, amino acid conservation, physicochemical variation, residue mobility, and thermodynamic stability) performed at Invitae indicates that this missense variant is not expected to disrupt ACTC1 protein function. ClinVar contains an entry for this variant (Variation ID: 928440). This variant has not been reported in the literature in individuals affected with ACTC1-related conditions. This variant is not present in population databases (gnomAD no frequency). This sequence change replaces leucine, which is neutral and non-polar, with phenylalanine, which is neutral and non-polar, at codon 195 of the ACTC1 protein (p.Leu195Phe).

Ambry Genetics
Classification: Uncertain significance for Cardiovascular phenotype. Last evaluated: 2022-04-11. Review status: criteria provided, single submitter. Criteria: Ambry Variant Classification Scheme 2023. Collection method: clinical testing. Allele origin: germline.
Comment: The p.L195F variant (also known as c.583C>T), located in coding exon 3 of the ACTC1 gene, results from a C to T substitution at nucleotide position 583. The leucine at codon 195 is replaced by phenylalanine, an amino acid with highly similar properties. This amino acid position is conserved. In addition, this alteration is predicted to be deleterious by in silico analysis. Since supporting evidence is limited at this time, the clinical significance of this alteration remains unclear.